The following is an entry in ClinVar:

NM_002485.5(NBN):c.745G>C (p.Ala249Pro)

Gene: NBN (nibrin; minus strand). Cytogenetic location: 8q21.3.
Variant type: single nucleotide variant.
Coding change: c.745G>C on transcript NM_002485.5 (MANE Select); coding-DNA position 745, G replaced by C.
Protein change: p.Ala249Pro; replaces alanine 249 with proline.
Molecular consequence: missense variant.
Genome position (GRCh38, 1-based): chr8:89,970,515, C>G on the plus strand (G>C on the coding strand, the complement: NBN is on the minus strand). VCF-style: chr8-89970515-C-G. GRCh37 (hg19) VCF-style: chr8-90982743-C-G.
Other names: c.499G>C, p.Ala167Pro (NM_001024688.3); short protein forms A167P, A249P.
Identifiers: ClinVar variation 3222437 (VCV003222437.2), dbSNP rs2129830740, ClinGen allele CA371658795.
Genomic context (GRCh38, chr8:89,970,515, plus strand): 5'-ACGTTCCCGGAGCCAAAAAGAAATTATGTTCTTCTTCATTCTCTTCTGTTATCAACCTAG[C>G]TTCCCCACCTCCAAAGACAACTGCGGAACTCAATTTCTTATGCTAAAAATGGAAGGAAAC-3'
Protein context (NP_002476.2, residues 239-259): SSAVVFGGGE[Ala249Pro]RLITEENEEE

ClinVar aggregate classification (germline): Uncertain significance (1 of 4 stars; one submission).

Conditions:
Hereditary cancer-predisposing syndrome. Also called: Tumor predisposition; Hereditary neoplastic syndrome; Hereditary Cancer Syndrome; Neoplastic Syndromes, Hereditary. Identifiers: Orphanet 140162, MedGen C0027672, MeSH D009386, MONDO:0015356.

Submission:

Ambry Genetics
Classification: Uncertain significance for Hereditary cancer-predisposing syndrome. Last evaluated: 2025-11-15. Review status: criteria provided, single submitter. Criteria: Ambry Variant Classification Scheme 2023. Collection method: clinical testing. Allele origin: germline.
Comment: The p.A249P variant (also known as c.745G>C), located in coding exon 7 of the NBN gene, results from a G to C substitution at nucleotide position 745. The alanine at codon 249 is replaced by proline, an amino acid with highly similar properties. This amino acid position is conserved. In addition, the in silico prediction for this alteration is inconclusive. Since supporting evidence is limited at this time, the clinical significance of this alteration remains unclear.